The following is an entry in ClinVar:

NM_138387.4(G6PC3):c.37G>A (p.Glu13Lys)

Gene: G6PC3 (glucose-6-phosphatase catalytic subunit 3; plus strand). Cytogenetic location: 17q21.31.
Variant type: single nucleotide variant.
Coding change: c.37G>A on transcript NM_138387.4 (MANE Select); coding-DNA position 37, G replaced by A.
Protein change: p.Glu13Lys; replaces glutamic acid 13 with lysine.
Molecular consequence: missense variant. On other transcripts: 5 prime UTR variant (3), intron variant (1).
Genome position (GRCh38, 1-based): chr17:44,071,002, G>A. VCF-style: chr17-44071002-G-A. GRCh37 (hg19) VCF-style: chr17-42148370-G-A.
Other names: c.37G>A, p.Glu13Lys (NM_001319945.2); c.-368G>A (NM_001384165.1); c.-503G>A (NM_001384166.1); c.-493G>A (NM_001384167.1); c.-312+288G>A (NM_001384168.1); short protein forms E13K.
Identifiers: ClinVar variation 3661911 (VCV003661911.1).

ClinVar aggregate classification (germline): Uncertain significance (1 of 4 stars; one submission).

Conditions:
Autosomal recessive severe congenital neutropenia due to G6PC3 deficiency. Also called: NEUTROPENIA, SEVERE CONGENITAL, 4, AUTOSOMAL RECESSIVE; G6PC3 Deficiency. Identifiers: Orphanet 331176, MedGen C2751630, MONDO:0012930, OMIM 612541.

Submission:

Labcorp Genetics (formerly Invitae), Labcorp
Classification: Uncertain significance for Autosomal recessive severe congenital neutropenia due to G6PC3 deficiency. Last evaluated: 2024-08-10. Review status: criteria provided, single submitter. Criteria: Invitae Variant Classification Sherloc (09022015). Collection method: clinical testing. Allele origin: germline.
Comment: This sequence change replaces glutamic acid, which is acidic and polar, with lysine, which is basic and polar, at codon 13 of the G6PC3 protein (p.Glu13Lys). This variant is present in population databases (rs754034468, gnomAD 0.001%). This variant has not been reported in the literature in individuals affected with G6PC3-related conditions. Advanced modeling of protein sequence and biophysical properties (such as structural, functional, and spatial information, amino acid conservation, physicochemical variation, residue mobility, and thermodynamic stability) performed at Invitae indicates that this missense variant is not expected to disrupt G6PC3 protein function with a negative predictive value of 80%. In summary, the available evidence is currently insufficient to determine the role of this variant in disease. Therefore, it has been classified as a Variant of Uncertain Significance.